The following is an entry in ClinVar:

NM_024675.4(PALB2):c.2355A>G (p.Pro785=)

Gene: PALB2 (partner and localizer of BRCA2; minus strand). Cytogenetic location: 16p12.2.
Variant type: single nucleotide variant.
Coding change: c.2355A>G on transcript NM_024675.4 (MANE Select); coding-DNA position 2355, A replaced by G.
Protein change: p.Pro785=; no amino-acid change (proline 785 retained).
Molecular consequence: synonymous variant. On other transcripts: intron variant (1).
Genome position (GRCh38, 1-based): chr16:23,629,799, T>C on the plus strand (A>G on the coding strand, the complement: PALB2 is on the minus strand). VCF-style: chr16-23629799-T-C. GRCh37 (hg19) VCF-style: chr16-23641120-T-C.
Other names: c.2295A>G, p.Pro765= (NM_001407296.1); c.2355A>G, p.Pro785= (NM_001407297.1, NM_001407298.1, NM_001407299.1 and 3 more transcripts); c.1470A>G, p.Pro490= (NM_001407304.1, NM_001407305.1, NM_001407306.1 and 5 more transcripts); c.567A>G, p.Pro189= (NM_001407312.1, NM_001407313.1); c.49-524A>G (NM_001407314.1).
Identifiers: ClinVar variation 3903445 (VCV003903445.1).

ClinVar aggregate classification (germline): Benign (1 of 4 stars; one submission).

Conditions:
Familial cancer of breast. Also called: Hereditary breast cancer; hereditary breast carcinoma; BREAST CANCER, FAMILIAL. Identifiers: Orphanet 227535, MedGen C0346153, MONDO:0016419, OMIM 114480. Disease mechanism: loss of function.

Submission:

Myriad Genetics, Inc.
Classification: Benign for Familial cancer of breast. Last evaluated: 2025-01-16. Review status: criteria provided, single submitter. Criteria: Myriad Autosomal Dominant, Autosomal Recessive and X-Linked Classification Criteria (2023). Collection method: clinical testing. Allele origin: unknown.
Comment: This variant is considered benign. This variant is a silent/synonymous amino acid change and it is not expected to impact splicing.